The following is an entry in ClinVar:

NM_003036.4(SKI):c.640A>G (p.Ser214Gly)

Gene: SKI (SKI proto-oncogene; plus strand). Cytogenetic location: 1p36.33.
Variant type: single nucleotide variant.
Coding change: c.640A>G on transcript NM_003036.4 (MANE Select); coding-DNA position 640, A replaced by G.
Protein change: p.Ser214Gly; replaces serine 214 with glycine.
Molecular consequence: missense variant.
Genome position (GRCh38, 1-based): chr1:2,229,406, A>G. VCF-style: chr1-2229406-A-G. GRCh37 (hg19) VCF-style: chr1-2160845-A-G.
Other names: p.S214G:AGC>GGC; short protein forms S214G.
Identifiers: ClinVar variation 213685 (VCV000213685.28), dbSNP rs139179843, ClinGen allele CA325406.

ClinVar aggregate classification (germline): Conflicting classifications of pathogenicity. Review status: criteria provided, conflicting classifications (1 of 4 stars). 8 submissions from 8 submitters: Uncertain significance (2); Likely benign (6). Last evaluated 2026-04-01.

Conditions:
Familial thoracic aortic aneurysm and aortic dissection (TAAD). Also called: Thoracic aortic aneurysms and dissections. Identifiers: Orphanet 91387, MedGen C4707243, MONDO:0019625.
SKI-related disorder. Also called: SKI-related condition.
Shprintzen-Goldberg syndrome (SGS). Also called: SHPRINTZEN-GOLDBERG CRANIOSYNOSTOSIS SYNDROME; CRANIOSYNOSTOSIS WITH ARACHNODACTYLY AND ABDOMINAL HERNIAS; Marfanoid disorder with craniosynostosis type 1; Marfanoid craniosynostosis syndrome; Shprintzen-Goldberg marfanoid syndrome. Identifiers: Orphanet 2462, MedGen C1321551, MONDO:0008426, OMIM 182212.

Allele frequency attached by ClinVar (database versions not stated): gnomAD exomes 0.00012; gnomAD 0.00013; ExAC 0.00014; TOPMed 0.00014; ESP Exome Variant Server 0.00039.
gnomAD v4.1: 472 of 1,609,264 alleles (0.029%); highest among the groups gnomAD compares: Non-Finnish European, 0.036%; 1 homozygote.

Submissions (8):

CeGaT Center for Human Genetics Tuebingen
Classification: Likely benign. Last evaluated: 2026-04-01. Review status: criteria provided, single submitter. Criteria: CeGaT Center For Human Genetics Tuebingen Variant Classification Criteria Version 2. Collection method: clinical testing. Allele origin: germline. Affected: yes. Observed: 1 variant allele.
Comment: SKI: PP3, BS2

Labcorp Genetics (formerly Invitae), Labcorp
Classification: Likely benign for Shprintzen-Goldberg syndrome. Last evaluated: 2026-01-18. Review status: criteria provided, single submitter. Criteria: Invitae Variant Classification Sherloc (09022015). Collection method: clinical testing. Allele origin: germline.

Center for Genomics, Ann and Robert H. Lurie Children's Hospital of Chicago
Classification: Likely benign for Shprintzen-Goldberg syndrome. Last evaluated: 2026-01-02. Review status: criteria provided, single submitter. Criteria: ACMG Guidelines, 2015. Collection method: clinical testing. Allele origin: germline.
Comment: BS1 (GroupMax FAF: 0.033% too high for disease), BS2_Supporting (1 homozygous individual in gnomAD, fully penetrant autosomal dominant disease)

ARUP Laboratories, Molecular Genetics and Genomics, ARUP Laboratories
Classification: Uncertain significance for Shprintzen-Goldberg syndrome. Last evaluated: 2025-07-15. Review status: criteria provided, single submitter. Criteria: ARUP Molecular Germline Variant Investigation Process 2024. Collection method: clinical testing. Allele origin: germline.
Comment: The SKI c.640A>G; p.Ser214Gly variant (rs139179843), to our knowledge, is not reported in the medical literature but is reported in ClinVar (Variation ID: 213685). This variant is found in the Non-Finnish European population with an allele frequency of 0.025% (30/120324 alleles) in the Genome Aggregation Database (v2.1.1). Computation analyses are uncertain whether this variant is neutral or deleterious (REVEL: 0.325). Due to limited information, the clinical significance of this variant is uncertain at this time.

PreventionGenetics, part of Exact Sciences
Classification: Uncertain significance for SKI-related condition. Last evaluated: 2024-10-10. Review status: criteria provided, single submitter. Criteria: ACMG Guidelines, 2015. Collection method: clinical testing. Allele origin: germline.
Comment: The SKI c.640A>G variant is predicted to result in the amino acid substitution p.Ser214Gly. To our knowledge, this variant has not been reported in the literature. This variant is reported in 0.025% of alleles in individuals of European (Non-Finnish) descent in gnomAD. Although we suspect that this variant may be benign, at this time, the clinical significance of this variant is uncertain due to the absence of conclusive functional and genetic evidence.

Blueprint Genetics
Classification: Likely benign. Last evaluated: 2024-05-27. Review status: criteria provided, single submitter. Criteria: ACMG Guidelines, 2015. Collection method: clinical testing. Allele origin: germline.

Ambry Genetics
Classification: Likely benign for Familial thoracic aortic aneurysm and aortic dissection. Last evaluated: 2022-08-17. Review status: criteria provided, single submitter. Criteria: Ambry Variant Classification Scheme 2023. Collection method: clinical testing. Allele origin: germline.

GeneDx
Classification: Likely benign. Last evaluated: 2018-12-12. Review status: criteria provided, single submitter. Criteria: GeneDx Variant Classification Process June 2021. Collection method: clinical testing. Allele origin: germline. Affected: yes.